The following is an entry in ClinVar:

NM_004656.4(BAP1):c.1863C>G (p.Pro621=)

Gene: BAP1 (BRCA1 associated deubiquitinase 1; minus strand). Cytogenetic location: 3p21.1.
Variant type: single nucleotide variant.
Coding change: c.1863C>G on transcript NM_004656.4 (MANE Select); coding-DNA position 1863, C replaced by G.
Protein change: p.Pro621=; no amino-acid change (proline 621 retained).
Molecular consequence: synonymous variant.
Genome position (GRCh38, 1-based): chr3:52,403,165, G>C on the plus strand (C>G on the coding strand, the complement: BAP1 is on the minus strand). VCF-style: chr3-52403165-G-C. GRCh37 (hg19) VCF-style: chr3-52437181-G-C.
Other names: c.1809C>G, p.Pro603= (NM_001410772.1).
Identifiers: ClinVar variation 3224446 (VCV003224446.3), dbSNP rs752636233, ClinGen allele CA2436697.
Genomic context (GRCh38, chr3:52,403,165, plus strand): 5'-GGATTAAAGGAGAAAACCACAACGGAGGCTCACCTTGGGTGAGTATTTCTCCCCACTCAA[G>C]GGCTCGCCAGGCCTCACCATCCCCGTCTTCTCTCTGCTGTCCGTGGCTTCCACGACCTCC-3'
Protein context (NP_004647.1, residues 611-631): EKTGMVRPGE[Pro621=]LSGEKYSPKE

ClinVar aggregate classification (germline): Benign/Likely benign. Review status: criteria provided, multiple submitters, no conflicts (2 of 4 stars). 3 submissions from 3 submitters: Benign (1); Likely benign (2). Last evaluated 2025-09-23.

Conditions:
Hereditary cancer-predisposing syndrome. Also called: Tumor predisposition; Hereditary neoplastic syndrome; Hereditary Cancer Syndrome; Neoplastic Syndromes, Hereditary. Identifiers: Orphanet 140162, MedGen C0027672, MeSH D009386, MONDO:0015356.
BAP1-related tumor predisposition syndrome (TPDS1). Also called: Tumor susceptibility linked to germline BAP1 mutations; BAP1 tumor predisposition syndrome; TUMOR PREDISPOSITION SYNDROME 1; COMMON Syndrome. Identifiers: Orphanet 289539, MedGen C3280492, MONDO:0013692, OMIM 614327.

Allele frequency attached by ClinVar (database versions not stated): gnomAD exomes 0.00001; ExAC 0.00002.

Submissions (3):

Labcorp Genetics (formerly Invitae), Labcorp
Classification: Likely benign for BAP1-related tumor predisposition syndrome. Last evaluated: 2025-09-23. Review status: criteria provided, single submitter. Criteria: Invitae Variant Classification Sherloc (09022015). Collection method: clinical testing. Allele origin: germline.

Myriad Genetics, Inc.
Classification: Benign for BAP1-related tumor predisposition syndrome. Last evaluated: 2024-07-17. Review status: criteria provided, single submitter. Criteria: Myriad Autosomal Dominant, Autosomal Recessive and X-Linked Classification Criteria (2023). Collection method: clinical testing. Allele origin: unknown.
Comment: This variant is considered benign. This variant is a silent/synonymous amino acid change and it is not expected to impact splicing.

Ambry Genetics
Classification: Likely benign for Hereditary cancer-predisposing syndrome. Last evaluated: 2024-02-26. Review status: criteria provided, single submitter. Criteria: Ambry Variant Classification Scheme 2023. Collection method: clinical testing. Allele origin: germline.